The following is an entry in ClinVar:

NM_000285.4(PEPD):c.814A>G (p.Met272Val)

Gene: PEPD (peptidase D; minus strand). Cytogenetic location: 19q13.11.
Variant type: single nucleotide variant.
Coding change: c.814A>G on transcript NM_000285.4 (MANE Select); coding-DNA position 814, A replaced by G.
Protein change: p.Met272Val; replaces methionine 272 with valine.
Molecular consequence: missense variant.
Genome position (GRCh38, 1-based): chr19:33,411,676, T>C on the plus strand (A>G on the coding strand, the complement: PEPD is on the minus strand). VCF-style: chr19-33411676-T-C. GRCh37 (hg19) VCF-style: chr19-33902582-T-C.
Other names: c.691A>G, p.Met231Val (NM_001166056.2); c.622A>G, p.Met208Val (NM_001166057.2); short protein forms M231V, M208V, M272V.
Identifiers: ClinVar variation 1988124 (VCV001988124.4), dbSNP rs199794147, ClinGen allele CA9364127.

ClinVar aggregate classification (germline): Uncertain significance (1 of 4 stars; one submission).

Allele frequency attached by ClinVar (database versions not stated): gnomAD 0.00001; gnomAD exomes 0.00001; ExAC 0.00002; TOPMed 0.00002; ESP Exome Variant Server 0.00008.
gnomAD v4.1: 22 of 1,594,328 alleles (0.0014%); highest among the groups gnomAD compares: African/African-American, 0.0054%; no homozygotes.

Submission:

Labcorp Genetics (formerly Invitae), Labcorp
Classification: Uncertain significance. Last evaluated: 2025-01-06. Review status: criteria provided, single submitter. Criteria: Invitae Variant Classification Sherloc (09022015). Collection method: clinical testing. Allele origin: germline.
Comment: This sequence change replaces methionine, which is neutral and non-polar, with valine, which is neutral and non-polar, at codon 272 of the PEPD protein (p.Met272Val). This variant is present in population databases (rs199794147, gnomAD 0.007%). This variant has not been reported in the literature in individuals affected with PEPD-related conditions. ClinVar contains an entry for this variant (Variation ID: 1988124). Invitae Evidence Modeling of protein sequence and biophysical properties (such as structural, functional, and spatial information, amino acid conservation, physicochemical variation, residue mobility, and thermodynamic stability) indicates that this missense variant is not expected to disrupt PEPD protein function with a negative predictive value of 95%. In summary, the available evidence is currently insufficient to determine the role of this variant in disease. Therefore, it has been classified as a Variant of Uncertain Significance.